The following is an entry in ClinVar:

NM_000545.8(HNF1A):c.-96T>G

Gene: HNF1A (HNF1 homeobox A; plus strand). Cytogenetic location: 12q24.31.
Variant type: single nucleotide variant.
Coding change: c.-96T>G on transcript NM_000545.8 (MANE Select); 96 bases upstream of the start codon, T replaced by G.
Molecular consequence: 5 prime UTR variant.
Genome position (GRCh38, 1-based): chr12:120,978,673, T>G. VCF-style: chr12-120978673-T-G. GRCh37 (hg19) VCF-style: chr12-121416476-T-G.
Other names: c.-96T>G (NM_000545.6, NM_001306179.2).
Identifiers: ClinVar variation 1204628 (VCV001204628.33), dbSNP rs576862555, ClinGen allele CA6831614.

ClinVar aggregate classification (germline): Conflicting classifications of pathogenicity. Review status: criteria provided, conflicting classifications (1 of 4 stars). 4 submissions from 4 submitters: Uncertain significance (1); Benign (1); Likely benign (1). 1 of the submissions does not count toward it. Last evaluated 2023-07-01.

Conditions:
HNF1A-related disorder. Also called: HNF1A-related condition.

Allele frequency attached by ClinVar (database versions not stated): TOPMed 0.00010; gnomAD 0.00013 and 0.00015; 1000 Genomes Project 30x 0.00016; 1000 Genomes Project 0.00020; ExAC 0.00048.
gnomAD v4.1: 276 of 1,184,650 alleles (0.023%); highest among the groups gnomAD compares: Middle Eastern, 0.16%; 1 homozygote.

Submissions (4):

CeGaT Center for Human Genetics Tuebingen
Classification: Benign. Last evaluated: 2023-07-01. Review status: criteria provided, single submitter. Criteria: CeGaT Center For Human Genetics Tuebingen Variant Classification Criteria Version 2. Collection method: clinical testing. Allele origin: germline. Affected: yes. Observed: 2 variant alleles.
Comment: HNF1A: BS1, BS2

GeneDx
Classification: Likely benign. Last evaluated: 2020-04-02. Review status: criteria provided, single submitter. Criteria: GeneDx Variant Classification Process June 2021. Collection method: clinical testing. Allele origin: germline. Affected: yes.
Comment: Has not been previously published as pathogenic or benign to our knowledge

Genetic Services Laboratory, University of Chicago
Classification: Uncertain significance. Last evaluated: 2018-08-22. Review status: criteria provided, single submitter. Criteria: ACMG Guidelines, 2015. Collection method: clinical testing. Allele origin: germline. Affected: no.

PreventionGenetics, part of Exact Sciences
Classification: Likely benign for HNF1A-related condition. Last evaluated: 2020-02-26. Review status: no assertion criteria provided. Collection method: clinical testing. Allele origin: germline. Not counted in ClinVar's aggregate classification.
Comment: This variant is classified as likely benign based on ACMG/AMP sequence variant interpretation guidelines (Richards et al. 2015 PMID: 25741868, with internal and published modifications).